The following is an entry in ClinVar:

ClinVar aggregate classification (germline): Pathogenic (1 of 4 stars; one submission).

Conditions:
Familial adenomatous polyposis 1 (FAP1). Also called: POLYPOSIS, ADENOMATOUS INTESTINAL; FAMILIAL ADENOMATOUS POLYPOSIS 1, ATTENUATED. Identifiers: MedGen C2713442, MONDO:0021056, OMIM 175100. Disease mechanism: loss of function.

Submission:

Labcorp Genetics (formerly Invitae), Labcorp
Classification: Pathogenic for Familial adenomatous polyposis 1. Last evaluated: 2024-05-26. Review status: criteria provided, single submitter. Criteria: Invitae Variant Classification Sherloc (09022015). Collection method: clinical testing. Allele origin: germline.
Comment: This sequence change creates a premature translational stop signal (p.Leu2144Glyfs*9) in the APC gene. While this is not anticipated to result in nonsense mediated decay, it is expected to disrupt the last 700 amino acid(s) of the APC protein. This variant is not present in population databases (gnomAD no frequency). This variant has not been reported in the literature in individuals affected with APC-related conditions. This variant is expected to disrupt the EB1 and HDLG binding sites, which mediate interactions with the cytoskeleton (PMID: 15311282, 17293347). While functional studies have not been performed to directly test the effect on APC protein function, this suggests that disruption of the C-terminal portion of the protein is functionally important. A different truncation (p.Tyr2645Lysfs*14) that lies downstream of this variant has been determined to be pathogenic (PMID: 9824584, 1316610, 27081525, 8381579, 22135120, Invitae). This suggests that deletion of this region of the APC protein is causative of disease. For these reasons, this variant has been classified as Pathogenic.

Literature cited by the submitters: PubMed 15311282; PubMed 17293347; PubMed 9824584; PubMed 1316610; PubMed 27081525; PubMed 8381579; PubMed 22135120.

NM_000038.6(APC):c.6430_6431del (p.Leu2144fs)

Gene: APC (APC regulator of Wnt signaling pathway; plus strand). Cytogenetic location: 5q22.2.
Variant type: Microsatellite.
Coding change: c.6430_6431del on transcript NM_000038.6 (MANE Select); coding-DNA positions 6430 to 6431, 2 bases deleted (CT; older notation c.6430_6431delCT).
Protein change: p.Leu2144fs; shifts the reading frame from leucine 2144.
Molecular consequence: frameshift variant. On other transcripts: non-coding transcript variant (2).
Genome position (GRCh38, 1-based): chr5:112,842,024-112,842,025, CT deleted; deleting any 2 consecutive bases within chr5:112,842,019-112,842,025 gives the same sequence; the c. name uses the placement nearest the transcript's 3' end. VCF-style (leftmost placement, unchanged base first): chr5-112842018-ATC-A. GRCh37 (hg19) VCF-style: chr5-112177715-ATC-A.
Other names: c.6430_6431del, p.Leu2144fs (NM_001127510.3, NM_001354895.2, NM_001407450.1); c.6376_6377del, p.Leu2126fs (NM_001127511.3); c.6484_6485del, p.Leu2162fs (NM_001354896.2, NM_001407447.1, NM_001407448.1 and 1 more transcripts); c.6460_6461del, p.Leu2154fs (NM_001354897.2); c.6355_6356del, p.Leu2119fs (NM_001354898.2); c.6346_6347del, p.Leu2116fs (NM_001354899.2); c.6307_6308del, p.Leu2103fs (NM_001354900.2); c.6253_6254del, p.Leu2085fs (NM_001354901.2, NM_001407453.1); and 11 more; short protein forms L2015fs, L2043fs, L2126fs, L1984fs, L2053fs, L2061fs, L2103fs, L2137fs.
Identifiers: ClinVar variation 3705352 (VCV003705352.2).